The following is an entry in ClinVar:

ClinVar aggregate classification (germline): Pathogenic (1 of 4 stars; one submission).

Submission:

ISCA site 4
Classification: Pathogenic. Last evaluated: 2011-08-12. Review status: criteria provided, single submitter. Criteria: Kaminsky et al. (Genet Med. 2011). Collection method: clinical testing. Allele origin: unknown. Affected: yes. Observed: 1 variant allele.
Comment: Copy number variation identified through the course of routine clinical cytogenomic testing in postnatal populations. Clinical assertions have been curated as described in Kaminsky et al. 2011.

GRCh38/hg38 4p16.3-16.1(chr4:72555-7829425)x1

Genes: ADD1 (adducin 1; plus strand), ADRA2C (adrenoceptor alpha 2C; plus strand), AFAP1 (actin filament associated protein 1; minus strand), AFAP1-AS1 (AFAP1 antisense RNA 1; plus strand), ASPNAT (aspartate N-acetyltransferase; plus strand) and 445 more. Cytogenetic location: 4p16.3-16.1.
Variant type: copy number loss.
Change: copy number 1 (one copy instead of two) of chr4:72,555-7,829,425 (7.76 Mb, GRCh38 coordinates, 1-based), cytogenetic band 4p16.3-16.1.
Identifiers: ClinVar variation 57901 (VCV000057901.1).